The following is an entry in ClinVar:

NM_017721.5(CC2D1A):c.2728G>A (p.Glu910Lys)

Gene: CC2D1A (coiled-coil and C2 domain containing 1A; plus strand). Cytogenetic location: 19p13.12.
Variant type: single nucleotide variant.
Coding change: c.2728G>A on transcript NM_017721.5 (MANE Select); coding-DNA position 2728, G replaced by A.
Protein change: p.Glu910Lys; replaces glutamic acid 910 with lysine.
Molecular consequence: missense variant.
Genome position (GRCh38, 1-based): chr19:13,930,095, G>A. VCF-style: chr19-13930095-G-A. GRCh37 (hg19) VCF-style: chr19-14040908-G-A.
Other names: short protein forms E910K.
Identifiers: ClinVar variation 210603 (VCV000210603.9), dbSNP rs767908962, ClinGen allele CA205258.

ClinVar aggregate classification (germline): Conflicting classifications of pathogenicity. Review status: criteria provided, conflicting classifications (1 of 4 stars). 3 submissions from 3 submitters: Uncertain significance (2); Likely benign (1). Last evaluated 2025-03-18.

Conditions:
Inborn genetic diseases. Identifiers: MedGen C0950123, MeSH D030342.

Allele frequency attached by ClinVar (database versions not stated): gnomAD exomes 0.00004 and 0.00013; gnomAD 0.00005; TOPMed 0.00005; ExAC 0.00013; 1000 Genomes Project 30x 0.00016.
gnomAD v4.1: 67 of 1,611,758 alleles (0.0042%); highest among the groups gnomAD compares: East Asian, 0.14%; no homozygotes.

Submissions (3):

Women's Health and Genetics/Laboratory Corporation of America, LabCorp
Classification: Uncertain significance. Last evaluated: 2025-03-18. Review status: criteria provided, single submitter. Criteria: LabCorp Variant Classification Summary - May 2015. Collection method: clinical testing. Allele origin: germline.
Comment: Variant summary: CC2D1A c.2728G>A (p.Glu910Lys) results in a conservative amino acid change in the encoded protein sequence. Three of five in-silico tools predict a benign effect of the variant on protein function. The variant allele was found at a frequency of 0.00013 in 244160 control chromosomes. This frequency is not significantly higher than estimated for a pathogenic variant in CC2D1A causing Intellectual Disability 3, allowing no conclusion about variant significance. c.2728G>A has been reported in the literature in individuals affected with intellectual disability or developmental delay (Xiong_2019, Bhattacharya_2024). These report(s) do not provide unequivocal conclusions about association of the variant with Intellectual Disability 3. At least one publication reports experimental evidence evaluating an impact on protein function. These results showed no damaging effect of this variant (Bhattacharya_2024). The following publications have been ascertained in the context of this evaluation (PMID: 38652285, 31031587). ClinVar contains an entry for this variant (Variation ID: 210603). Based on the evidence outlined above, the variant was classified as uncertain significance.

Ambry Genetics
Classification: Likely benign for Inborn genetic diseases. Last evaluated: 2021-12-10. Review status: criteria provided, single submitter. Criteria: Ambry Variant Classification Scheme 2023. Collection method: clinical testing. Allele origin: germline.

Genetic Services Laboratory, University of Chicago
Classification: Uncertain significance. Last evaluated: 2014-09-11. Review status: criteria provided, single submitter. Criteria: ACMG Guidelines, 2015. Collection method: clinical testing. Allele origin: germline.

Literature cited by the submitters: PubMed 31031587 (cited by Women's Health and Genetics/Laboratory Corporation of America, LabCorp); PubMed 38652285 (cited by Women's Health and Genetics/Laboratory Corporation of America, LabCorp).